The following is an entry in ClinVar:

ClinVar aggregate classification (germline): Likely benign. Review status: criteria provided, multiple submitters, no conflicts (2 of 4 stars). 2 submissions from 2 submitters: Likely benign (2). Last evaluated 2025-03-20.

Conditions:
ADCY1-related disorder. Also called: ADCY1-related condition.

Allele frequency attached by ClinVar (database versions not stated): gnomAD exomes 0.00008 and 0.00022; ExAC 0.00010; gnomAD 0.00011; TOPMed 0.00015; 1000 Genomes Project 30x 0.00031; ESP Exome Variant Server 0.00038; 1000 Genomes Project 0.00040.
gnomAD v4.1: 347 of 1,613,984 alleles (0.021%); highest among the groups gnomAD compares: Non-Finnish European, 0.027%; no homozygotes.

Submissions (2):

Labcorp Genetics (formerly Invitae), Labcorp
Classification: Likely benign. Last evaluated: 2025-03-20. Review status: criteria provided, single submitter. Criteria: Invitae Variant Classification Sherloc (09022015). Collection method: clinical testing. Allele origin: germline.

PreventionGenetics, part of Exact Sciences
Classification: Likely benign for ADCY1-related condition. Last evaluated: 2024-12-13. Review status: criteria provided, single submitter. Criteria: ACMG Guidelines, 2015. Collection method: clinical testing. Allele origin: germline.
Comment: This variant is classified as likely benign based on ACMG/AMP sequence variant interpretation guidelines (Richards et al. 2015 PMID: 25741868, with internal and published modifications).

NM_021116.4(ADCY1):c.1560C>T (p.Ala520=)

Gene: ADCY1 (adenylate cyclase 1; plus strand). Cytogenetic location: 7p12.3.
Variant type: single nucleotide variant.
Coding change: c.1560C>T on transcript NM_021116.4 (MANE Select); coding-DNA position 1560, C replaced by T.
Protein change: p.Ala520=; no amino-acid change (alanine 520 retained).
Molecular consequence: synonymous variant.
Genome position (GRCh38, 1-based): chr7:45,662,169, C>T. VCF-style: chr7-45662169-C-T. GRCh37 (hg19) VCF-style: chr7-45701768-C-T.
Other names: c.885C>T, p.Ala295= (NM_001281768.2); c.1560C>T (NM_021116.2).
Identifiers: ClinVar variation 1674733 (VCV001674733.9), dbSNP rs148459696, ClinGen allele CA4248975.
Genomic context (GRCh38, chr7:45,662,169, plus strand): 5'-GTTCAAGACTGTCTGCTACCTGCTGGTGCAGCTCATGCACTGCCGGAAAATGTTCAAGGC[C>T]GAGATCCCCTTCTCCAATGTCATGACCTGCGAGGACGATGACAAGGTAGGAGCAGCCAGG-3'
Protein context (NP_066939.1, residues 510-530): QLMHCRKMFK[Ala520=]EIPFSNVMTC